The following is an entry in ClinVar:

NM_024741.3(ZNF408):c.1410C>T (p.Cys470=)

Gene: ZNF408 (zinc finger protein 408; plus strand). Cytogenetic location: 11p11.2.
Variant type: single nucleotide variant.
Coding change: c.1410C>T on transcript NM_024741.3 (MANE Select); coding-DNA position 1410, C replaced by T.
Protein change: p.Cys470=; no amino-acid change (cysteine 470 retained).
Molecular consequence: synonymous variant.
Genome position (GRCh38, 1-based): chr11:46,705,110, C>T. VCF-style: chr11-46705110-C-T. GRCh37 (hg19) VCF-style: chr11-46726660-C-T.
Other names: c.1386C>T, p.Cys462= (NM_001184751.2).
Identifiers: ClinVar variation 4995099 (VCV004995099.1).

ClinVar aggregate classification (germline): Likely benign (1 of 4 stars; one submission).

Conditions:
ZNF408-related disorder. Also called: ZNF408-related condition.

Submission:

PreventionGenetics, part of Exact Sciences
Classification: Likely benign for ZNF408-related condition. Last evaluated: 2026-07-14. Review status: criteria provided, single submitter. Criteria: ACMG Guidelines, 2015. Collection method: clinical testing. Allele origin: germline.
Comment: This variant is classified as likely benign based on ACMG/AMP sequence variant interpretation guidelines (Richards et al. 2015 PMID: 25741868, with internal and published modifications).